The following is an entry in ClinVar:

NM_001458.5(FLNC):c.6640G>A (p.Gly2214Ser)

Genes: FLNC-AS1 (FLNC antisense RNA 1; minus strand), FLNC (filamin C; plus strand). Cytogenetic location: 7q32.1.
Variant type: single nucleotide variant.
Coding change: c.6640G>A on transcript NM_001458.5 (MANE Select); coding-DNA position 6640, G replaced by A.
Protein change: p.Gly2214Ser; replaces glycine 2214 with serine.
Molecular consequence: missense variant.
Genome position (GRCh38, 1-based): chr7:128,854,129, G>A. VCF-style: chr7-128854129-G-A. GRCh37 (hg19) VCF-style: chr7-128494183-G-A.
Other names: c.6541G>A, p.Gly2181Ser (NM_001127487.2); short protein forms G2214S, G2181S.
Identifiers: ClinVar variation 472139 (VCV000472139.13), dbSNP rs1431110219, ClinGen allele CA369212983.

ClinVar aggregate classification (germline): Uncertain significance. Review status: criteria provided, multiple submitters, no conflicts (2 of 4 stars). 2 submissions from 2 submitters: Uncertain significance (2). Last evaluated 2026-04-14.

Conditions:
Myofibrillar myopathy 5. Also called: Filaminopathy (type); FILAMINOPATHY, AUTOSOMAL DOMINANT. Identifiers: Orphanet 171445, MedGen C1836050, MONDO:0012289, OMIM 609524.
Distal myopathy with posterior leg and anterior hand involvement. Also called: WILLIAMS DISTAL MYOPATHY. Identifiers: Orphanet 63273, MedGen C3279722, MONDO:0013550, OMIM 614065.
Hypertrophic cardiomyopathy 26. Also called: Cardiomyopathy, familial hypertrophic, 26. Identifiers: Orphanet 75249, MedGen C4310749, MONDO:0014883, OMIM 617047.
Cardiovascular phenotype. Identifiers: MedGen CN230736.

Allele frequency attached by ClinVar (database versions not stated): gnomAD 0.00001; TOPMed 0.00001.
gnomAD v4.1: 5 of 1,612,632 alleles (0.00031%); highest among the groups gnomAD compares: African/African-American, 0.0013%; no homozygotes.

Submissions (2):

Ambry Genetics
Classification: Uncertain significance for Cardiovascular phenotype. Last evaluated: 2026-04-14. Review status: criteria provided, single submitter. Criteria: Ambry Variant Classification Scheme 2023. Collection method: clinical testing. Allele origin: germline.
Comment: The c.6640G>A (p.G2214S) alteration is located in exon 40 (coding exon 40) of the FLNC gene. This alteration results from a G to A substitution at nucleotide position 6640, causing the glycine (G) at amino acid position 2214 to be replaced by a serine (S). Based on data from gnomAD, the A allele has an overall frequency of <0.001% (0/245866) total alleles studied. The highest observed frequency was <0.001% (/) of alleles. Based on insufficient or conflicting evidence, the clinical significance of this alteration remains unclear.

Labcorp Genetics (formerly Invitae), Labcorp
Classification: Uncertain significance for Distal myopathy with posterior leg and anterior hand involvement; Myofibrillar myopathy 5; Hypertrophic cardiomyopathy 26. Last evaluated: 2025-02-04. Review status: criteria provided, single submitter. Criteria: Invitae Variant Classification Sherloc (09022015). Collection method: clinical testing. Allele origin: germline.
Comment: This sequence change replaces glycine, which is neutral and non-polar, with serine, which is neutral and polar, at codon 2214 of the FLNC protein (p.Gly2214Ser). This variant is not present in population databases (gnomAD no frequency). This variant has not been reported in the literature in individuals affected with FLNC-related conditions. ClinVar contains an entry for this variant (Variation ID: 472139). An algorithm developed to predict the effect of missense changes on protein structure and function (PolyPhen-2) suggests that this variant is likely to be tolerated. In summary, the available evidence is currently insufficient to determine the role of this variant in disease. Therefore, it has been classified as a Variant of Uncertain Significance.